The following is an entry in ClinVar:

ClinVar aggregate classification (germline): Uncertain significance (1 of 4 stars; one submission).

Submission:

GeneDx
Classification: Uncertain significance. Last evaluated: 2019-02-19. Review status: criteria provided, single submitter. Criteria: GeneDx Variant Classification Process June 2021. Collection method: clinical testing. Allele origin: germline. Affected: yes.
Comment: Not observed in large population cohorts (Lek et al., 2016); In silico analysis, which includes protein predictors and evolutionary conservation, supports a deleterious effect; Has not been previously published as pathogenic or benign to our knowledge

NM_001854.4(COL11A1):c.1421C>T (p.Pro474Leu)

Gene: COL11A1 (collagen type XI alpha 1 chain; minus strand). Cytogenetic location: 1p21.1.
Variant type: single nucleotide variant.
Coding change: c.1421C>T on transcript NM_001854.4 (MANE Select); coding-DNA position 1421, C replaced by T.
Protein change: p.Pro474Leu; replaces proline 474 with leucine.
Molecular consequence: missense variant. On other transcripts: non-coding transcript variant (1).
Genome position (GRCh38, 1-based): chr1:103,015,735, G>A on the plus strand (C>T on the coding strand, the complement: COL11A1 is on the minus strand). VCF-style: chr1-103015735-G-A. GRCh37 (hg19) VCF-style: chr1-103481291-G-A.
Other names: c.1304C>T, p.Pro435Leu (NM_001190709.2); c.1457C>T, p.Pro486Leu (NM_080629.3); c.1073C>T, p.Pro358Leu (NM_080630.4); short protein forms P358L, P435L, P474L, P486L.
Identifiers: ClinVar variation 1305246 (VCV001305246.2), dbSNP rs2101905008, ClinGen allele CA341179578.